The following is an entry in ClinVar:

NM_004817.4(TJP2):c.1453G>A (p.Ala485Thr)

Gene: TJP2 (tight junction protein 2; plus strand). Cytogenetic location: 9q21.11.
Variant type: single nucleotide variant.
Coding change: c.1453G>A on transcript NM_004817.4 (MANE Select); coding-DNA position 1453, G replaced by A.
Protein change: p.Ala485Thr; replaces alanine 485 with threonine.
Molecular consequence: missense variant.
Genome position (GRCh38, 1-based): chr9:69,228,114, G>A. VCF-style: chr9-69228114-G-A. GRCh37 (hg19) VCF-style: chr9-71843030-G-A.
Other names: c.1384G>A, p.Ala462Thr (NM_001170414.2, NM_001369871.1); c.1465G>A, p.Ala489Thr (NM_001170415.1, NM_001369874.1, NM_001369875.1); c.1546G>A, p.Ala516Thr (NM_001170416.2); c.1378G>A, p.Ala460Thr (NM_001369870.1); c.1453G>A, p.Ala485Thr (NM_001369872.1, NM_001369873.1, NM_201629.3); short protein forms A460T, A462T, A485T, A489T, A516T.
Identifiers: ClinVar variation 3365368 (VCV003365368.2).
Genomic context (GRCh38, chr9:69,228,114, plus strand): 5'-ATTGCAGGCACAGTTGTCCCAGAGACCAACAAGGAACCCAGATACCAAGAGGACCCCCCA[G>A]GTGAGCCATTAAGACCACTCAGTTTCAACAGTTGTGTTCAGAAGTGTGTGCTCACACAGC-3'
Protein context (NP_004808.2, residues 475-495): KEPRYQEDPP[Ala485Thr]PQPKAAPRTF

ClinVar aggregate classification (germline): Uncertain significance (1 of 4 stars; one submission).

gnomAD v4.1: 10 of 1,603,372 alleles (0.00062%); highest among the groups gnomAD compares: South Asian, 0.01%; 1 homozygote.

Submission:

GeneDx
Classification: Uncertain significance. Last evaluated: 2025-07-15. Review status: criteria provided, single submitter. Criteria: GeneDx Variant Classification Process June 2021. Collection method: clinical testing. Allele origin: germline.
Comment: In silico analysis supports a deleterious effect on splicing; In silico analysis suggests that this missense variant does not alter protein structure/function; Has not been previously published as pathogenic or benign to our knowledge